The following is an entry in ClinVar:

ClinVar aggregate classification (germline): Uncertain significance (1 of 4 stars; one submission).

gnomAD v4.1: 7 of 1,614,046 alleles (0.00043%); highest among the groups gnomAD compares: African/African-American, 0.0013%; no homozygotes.

Submission:

Labcorp Genetics (formerly Invitae), Labcorp
Classification: Uncertain significance. Last evaluated: 2024-09-05. Review status: criteria provided, single submitter. Criteria: Invitae Variant Classification Sherloc (09022015). Collection method: clinical testing. Allele origin: germline.
Comment: This sequence change replaces aspartic acid, which is acidic and polar, with glutamic acid, which is acidic and polar, at codon 215 of the GABRB1 protein (p.Asp215Glu). This variant is not present in population databases (gnomAD no frequency). This variant has not been reported in the literature in individuals affected with GABRB1-related conditions. Invitae Evidence Modeling of protein sequence and biophysical properties (such as structural, functional, and spatial information, amino acid conservation, physicochemical variation, residue mobility, and thermodynamic stability) indicates that this missense variant is not expected to disrupt GABRB1 protein function with a negative predictive value of 80%. In summary, the available evidence is currently insufficient to determine the role of this variant in disease. Therefore, it has been classified as a Variant of Uncertain Significance.

NM_000812.4(GABRB1):c.645C>A (p.Asp215Glu)

Gene: GABRB1 (gamma-aminobutyric acid type A receptor subunit beta1; plus strand). Cytogenetic location: 4p12.
Variant type: single nucleotide variant.
Coding change: c.645C>A on transcript NM_000812.4 (MANE Select); coding-DNA position 645, C replaced by A.
Protein change: p.Asp215Glu; replaces aspartic acid 215 with glutamic acid.
Molecular consequence: missense variant.
Genome position (GRCh38, 1-based): chr4:47,403,418, C>A. VCF-style: chr4-47403418-C-A. GRCh37 (hg19) VCF-style: chr4-47405435-C-A.
Other names: short protein forms D215E.
Identifiers: ClinVar variation 2744700 (VCV002744700.3), dbSNP rs1448391307, ClinGen allele CA356810410.
Genomic context (GRCh38, chr4:47,403,418, plus strand): 5'-AGGAGAAGGGGCAGTCACTGGTGTTAATAAAATCGAACTTCCTCAATTTTCAATTGTTGA[C>A]TACAAGATGGTGTCTAAGAAGGTGGAGTTCACAACAGGTGAGGTTGTTTCCCCCAAAATG-3'
Protein context (NP_000803.2, residues 205-225): KIELPQFSIV[Asp215Glu]YKMVSKKVEF